The following is an entry in ClinVar:

NM_203290.4(POLR1C):c.374G>A (p.Arg125Gln)

Gene: POLR1C (RNA polymerase I and III subunit C; plus strand). Cytogenetic location: 6p21.1.
Variant type: single nucleotide variant.
Coding change: c.374G>A on transcript NM_203290.4 (MANE Select); coding-DNA position 374, G replaced by A.
Protein change: p.Arg125Gln; replaces arginine 125 with glutamine.
Molecular consequence: missense variant.
Genome position (GRCh38, 1-based): chr6:43,519,830, G>A. VCF-style: chr6-43519830-G-A. GRCh37 (hg19) VCF-style: chr6-43487568-G-A.
Other names: c.374G>A, p.Arg125Gln (NM_001318876.2, NM_001363658.2); short protein forms R125Q.
Identifiers: ClinVar variation 910444 (VCV000910444.9), dbSNP rs1793045102, ClinGen allele CA364283173.
Genomic context (GRCh38, chr6:43,519,830, plus strand): 5'-TTCTTGCTCACCGTCTGGGGCTCATTCCCATTCATGCTGATCCCCGTCTTTTTGAGTATC[G>A]GAACCAAGGTGAGAAAATGAAATTTTGGGAGAAGTGGACTATCTGGGTTCAAATCCTGGT-3'
Protein context (NP_976035.1, residues 115-135): IHADPRLFEY[Arg125Gln]NQGDEEGTEI

ClinVar aggregate classification (germline): Uncertain significance. Review status: criteria provided, multiple submitters, no conflicts (2 of 4 stars). 2 submissions from 2 submitters: Uncertain significance (2). Last evaluated 2021-09-15.

Conditions:
Treacher Collins syndrome 3 (TCS3). Also called: POLR1C-Related Treacher Collins Syndrome. Identifiers: Orphanet 861, MedGen C1855433, MONDO:0009558, OMIM 248390.

Allele frequency attached by ClinVar (database versions not stated): gnomAD exomes 0.00001; TOPMed 0.00001.

Submissions (2):

Labcorp Genetics (formerly Invitae), Labcorp
Classification: Uncertain significance. Last evaluated: 2021-09-15. Review status: criteria provided, single submitter. Criteria: Invitae Variant Classification Sherloc (09022015). Collection method: clinical testing. Allele origin: germline.
Comment: This variant is not present in population databases (ExAC no frequency). This sequence change replaces arginine with glutamine at codon 125 of the POLR1C protein (p.Arg125Gln). The arginine residue is moderately conserved and there is a small physicochemical difference between arginine and glutamine. This variant has not been reported in the literature in individuals affected with POLR1C-related conditions. ClinVar contains an entry for this variant (Variation ID: 910444). Algorithms developed to predict the effect of missense changes on protein structure and function are either unavailable or do not agree on the potential impact of this missense change (SIFT: "Not Available"; PolyPhen-2: "Benign"; Align-GVGD: "Not Available"). In summary, the available evidence is currently insufficient to determine the role of this variant in disease. Therefore, it has been classified as a Variant of Uncertain Significance.

Illumina Laboratory Services, Illumina
Classification: Uncertain significance for Treacher Collins syndrome 3. Last evaluated: 2018-01-13. Review status: criteria provided, single submitter. Criteria: ICSL Variant Classification Criteria 13 December 2019. Collection method: clinical testing. Allele origin: germline.